The following is an entry in ClinVar:

ClinVar aggregate classification (germline): Uncertain significance (1 of 4 stars; one submission).

Submission:

Labcorp Genetics (formerly Invitae), Labcorp
Classification: Uncertain significance. Last evaluated: 2022-06-22. Review status: criteria provided, single submitter. Criteria: Invitae Variant Classification Sherloc (09022015). Collection method: clinical testing. Allele origin: germline.
Comment: In summary, the available evidence is currently insufficient to determine the role of this variant in disease. Therefore, it has been classified as a Variant of Uncertain Significance. Algorithms developed to predict the effect of missense changes on protein structure and function (SIFT, PolyPhen-2, Align-GVGD) all suggest that this variant is likely to be tolerated. This variant has not been reported in the literature in individuals affected with TGFB1-related conditions. This variant is not present in population databases (gnomAD no frequency). This sequence change replaces threonine, which is neutral and polar, with alanine, which is neutral and non-polar, at codon 116 of the TGFB1 protein (p.Thr116Ala).

NM_000660.7(TGFB1):c.346A>G (p.Thr116Ala)

Genes: TGFB1 (transforming growth factor beta 1; minus strand), LOC130064510 (ATAC-STARR-seq lymphoblastoid silent region 10661; plus strand). Cytogenetic location: 19q13.2.
Variant type: single nucleotide variant.
Coding change: c.346A>G on transcript NM_000660.7 (MANE Select); coding-DNA position 346, A replaced by G.
Protein change: p.Thr116Ala; replaces threonine 116 with alanine.
Molecular consequence: missense variant.
Genome position (GRCh38, 1-based): chr19:41,352,699, T>C on the plus strand (A>G on the coding strand, the complement: TGFB1 is on the minus strand). VCF-style: chr19-41352699-T-C. GRCh37 (hg19) VCF-style: chr19-41858604-T-C.
Other names: short protein forms T116A.
Identifiers: ClinVar variation 1997527 (VCV001997527.4), dbSNP rs2513392334, ClinGen allele CA406004838.